The following is an entry in ClinVar:

NM_006231.4(POLE):c.234A>T (p.Leu78Phe)

Gene: POLE (DNA polymerase epsilon, catalytic subunit; minus strand). Cytogenetic location: 12q24.33.
Variant type: single nucleotide variant.
Coding change: c.234A>T on transcript NM_006231.4 (MANE Select); coding-DNA position 234, A replaced by T.
Protein change: p.Leu78Phe; replaces leucine 78 with phenylalanine.
Molecular consequence: missense variant.
Genome position (GRCh38, 1-based): chr12:132,680,658, T>A on the plus strand (A>T on the coding strand, the complement: POLE is on the minus strand). VCF-style: chr12-132680658-T-A. GRCh37 (hg19) VCF-style: chr12-133257244-T-A.
Other names: short protein forms L78F.
Identifiers: ClinVar variation 3368655 (VCV003368655.1).

ClinVar aggregate classification (germline): Uncertain significance (1 of 4 stars; one submission).

gnomAD v4.1: 1 of 1,613,952 alleles (0.000062%); highest among the groups gnomAD compares: Non-Finnish European, 0.000085%; no homozygotes.

Submission:

GeneDx
Classification: Uncertain significance. Last evaluated: 2024-01-31. Review status: criteria provided, single submitter. Criteria: GeneDx Variant Classification Process June 2021. Collection method: clinical testing. Allele origin: germline. Affected: yes.
Comment: Not observed at significant frequency in large population cohorts (gnomAD); In silico analysis supports that this missense variant has a deleterious effect on protein structure/function; Has not been previously published as pathogenic or benign to our knowledge